The following is an entry in ClinVar:

NM_001987.5(ETV6):c.464-4179C>T

Gene: ETV6 (ETS variant transcription factor 6; plus strand). Cytogenetic location: 12p13.2.
Variant type: single nucleotide variant.
Coding change: c.464-4179C>T on transcript NM_001987.5 (MANE Select); 4179 bases into the intron before coding-DNA position 464, C replaced by T.
Molecular consequence: intron variant.
Genome position (GRCh38, 1-based): chr12:11,865,245, C>T. VCF-style: chr12-11865245-C-T. GRCh37 (hg19) VCF-style: chr12-12018179-C-T.
Identifiers: ClinVar variation 1701186 (VCV001701186.31), dbSNP rs575117181, ClinGen allele CA232604261.
Genomic context (GRCh38, chr12:11,865,245, plus strand): 5'-AGCTTGCAGTGAGCAGAGATCACGCCACTGCACTCCAGCCTGGGTGAAAGAGCGAGACTC[C>T]GTCTCAAAAAAAAAAAAAAAAAAATAGTGTCAACATAGGTCTCAAAAAAAGACTATAAAA-3'

ClinVar aggregate classification (germline): Benign (1 of 4 stars; one submission).

Allele frequency attached by ClinVar (database versions not stated): gnomAD 0.00041 and 0.00053; 1000 Genomes Project 30x 0.00094.
gnomAD v4.1: 69 of 128,402 alleles (0.054%); highest among the groups gnomAD compares: South Asian, 0.52%; 1 homozygote.

Submission:

CeGaT Center for Human Genetics Tuebingen
Classification: Benign. Last evaluated: 2022-07-01. Review status: criteria provided, single submitter. Criteria: CeGaT Center For Human Genetics Tuebingen Variant Classification Criteria Version 2. Collection method: clinical testing. Allele origin: germline. Affected: yes. Observed: 1 variant allele.
Comment: ETV6: BS1, BS2